The following is an entry in ClinVar:

NM_001142966.3(GREB1L):c.3389C>T (p.Ser1130Leu)

Gene: GREB1L (GREB1 like retinoic acid receptor coactivator; plus strand). Cytogenetic location: 18q11.1.
Variant type: single nucleotide variant.
Coding change: c.3389C>T on transcript NM_001142966.3 (MANE Select); coding-DNA position 3389, C replaced by T.
Protein change: p.Ser1130Leu; replaces serine 1130 with leucine.
Molecular consequence: missense variant.
Genome position (GRCh38, 1-based): chr18:21,496,696, C>T. VCF-style: chr18-21496696-C-T. GRCh37 (hg19) VCF-style: chr18-19076657-C-T.
Other names: c.3518C>T, p.Ser1173Leu (NM_001410867.1); c.3062C>T, p.Ser1021Leu (NM_001410868.1); short protein forms S1130L, S1021L, S1173L.
Identifiers: ClinVar variation 4981288 (VCV004981288.1).

ClinVar aggregate classification (germline): Uncertain significance (1 of 4 stars; one submission).

Conditions:
GREB1L-related disorder. Also called: GREB1L-related condition.

gnomAD v4.1: 6 of 1,550,890 alleles (0.00039%); highest among the groups gnomAD compares: South Asian, 0.0012%; no homozygotes.

Submission:

PreventionGenetics, part of Exact Sciences
Classification: Uncertain significance for GREB1L-related condition. Last evaluated: 2025-12-06. Review status: criteria provided, single submitter. Criteria: ACMG Guidelines, 2015. Collection method: clinical testing. Allele origin: germline.
Comment: The GREB1L c.3389C>T variant is predicted to result in the amino acid substitution p.Ser1130Leu. To our knowledge, this variant has not been reported in the literature. This variant is reported in 0.0017% of alleles in individuals of European (Non-Finnish) descent in gnomAD. At this time, the clinical significance of this variant is uncertain due to the absence of conclusive functional and genetic evidence.